The following is an entry in ClinVar:

ClinVar aggregate classification (germline): Uncertain significance. Review status: criteria provided, multiple submitters, no conflicts (2 of 4 stars). 3 submissions from 3 submitters: Uncertain significance (3). Last evaluated 2026-01-25.

Conditions:
Myofibrillar myopathy 5. Also called: Filaminopathy (type); FILAMINOPATHY, AUTOSOMAL DOMINANT. Identifiers: Orphanet 171445, MedGen C1836050, MONDO:0012289, OMIM 609524.
Distal myopathy with posterior leg and anterior hand involvement. Also called: WILLIAMS DISTAL MYOPATHY. Identifiers: Orphanet 63273, MedGen C3279722, MONDO:0013550, OMIM 614065.
Hypertrophic cardiomyopathy 26. Also called: Cardiomyopathy, familial hypertrophic, 26. Identifiers: Orphanet 75249, MedGen C4310749, MONDO:0014883, OMIM 617047.
Hypertrophic cardiomyopathy. Also called: HYPERTROPHIC MYOCARDIOPATHY. Identifiers: Orphanet 217569, MedGen C0007194, MeSH D002312, MONDO:0005045, HP:0001639.

Allele frequency attached by ClinVar (database versions not stated): gnomAD exomes below 0.00001.
gnomAD v4.1: 2 of 1,613,414 alleles (0.00012%); highest among the groups gnomAD compares: Non-Finnish European, 0.00017%; no homozygotes.

Submissions (3):

Labcorp Genetics (formerly Invitae), Labcorp
Classification: Uncertain significance for Distal myopathy with posterior leg and anterior hand involvement; Myofibrillar myopathy 5; Hypertrophic cardiomyopathy 26. Last evaluated: 2026-01-25. Review status: criteria provided, single submitter. Criteria: Invitae Variant Classification Sherloc (09022015). Collection method: clinical testing. Allele origin: germline.
Comment: This sequence change replaces glycine, which is neutral and non-polar, with cysteine, which is neutral and slightly polar, at codon 1570 of the FLNC protein (p.Gly1570Cys). This variant is not present in population databases (gnomAD no frequency). This missense change has been observed in individual(s) with hypertrophic cardiomyopathy (PMID: 31513939). ClinVar contains an entry for this variant (Variation ID: 619271). Invitae Evidence Modeling of protein sequence and biophysical properties (such as structural, functional, and spatial information, amino acid conservation, physicochemical variation, residue mobility, and thermodynamic stability) has been performed for this missense variant. However, the output from this modeling did not meet the statistical confidence thresholds required to predict the impact of this variant on FLNC protein function. In summary, the available evidence is currently insufficient to determine the role of this variant in disease. Therefore, it has been classified as a Variant of Uncertain Significance.

Center for Human Genetics, University of Leuven
Classification: Uncertain significance for Hypertrophic cardiomyopathy. Last evaluated: 2018-10-31. Review status: criteria provided, single submitter. Criteria: ACMG Guidelines, 2015. Collection method: clinical testing. Allele origin: germline. Affected: yes.

Breakthrough Genomics
Classification: Uncertain significance. Review status: criteria provided, single submitter. Criteria: ACMG Guidelines, 2015. Collection method: not provided. Allele origin: germline. Inheritance: Autosomal recessive inheritance. Affected: yes.

Literature cited by the submitters: PubMed 31513939 (cited by Labcorp Genetics (formerly Invitae), Labcorp).

NM_001458.5(FLNC):c.4708G>T (p.Gly1570Cys)

Gene: FLNC (filamin C; plus strand). Cytogenetic location: 7q32.1.
Variant type: single nucleotide variant.
Coding change: c.4708G>T on transcript NM_001458.5 (MANE Select); coding-DNA position 4708, G replaced by T.
Protein change: p.Gly1570Cys; replaces glycine 1570 with cysteine.
Molecular consequence: missense variant.
Genome position (GRCh38, 1-based): chr7:128,848,688, G>T. VCF-style: chr7-128848688-G-T. GRCh37 (hg19) VCF-style: chr7-128488742-G-T.
Other names: c.4708G>T, p.Gly1570Cys (NM_001127487.2); short protein forms G1570C.
Identifiers: ClinVar variation 619271 (VCV000619271.11), dbSNP rs1562999563, ClinGen allele CA369202779.